The following is an entry in ClinVar:

NM_001127511.3(APC):c.-127G>T

Gene: APC (APC regulator of Wnt signaling pathway; plus strand). Cytogenetic location: 5q22.2.
Variant type: single nucleotide variant.
Coding change: c.-127G>T on transcript NM_001127511.3; 127 bases upstream of the start codon, G replaced by T.
Molecular consequence: 5 prime UTR variant. On other transcripts: non-coding transcript variant (2).
Genome position (GRCh38, 1-based): chr5:112,707,591, G>T. VCF-style: chr5-112707591-G-T. GRCh37 (hg19) VCF-style: chr5-112043288-G-T.
Other names: c.-310G>T (NM_001354895.2, NM_001407447.1, NM_001407452.1 and 3 more transcripts); c.-127G>T (NM_001354897.2, NM_001354902.2, NM_001407446.1); c.-77G>T (NM_001407448.1, NM_001407450.1, NM_001407457.1 and 1 more transcripts); c.-101G>T (NM_001407453.1); c.-1345G>T (NM_001407470.1, NM_001407472.1).
Identifiers: ClinVar variation 661051 (VCV000661051.7), dbSNP rs1235543350, ClinGen allele CA802057152.

ClinVar aggregate classification (germline): Uncertain significance (1 of 4 stars; one submission).

Conditions:
Familial adenomatous polyposis 1 (FAP1). Also called: FAMILIAL ADENOMATOUS POLYPOSIS 1, ATTENUATED; POLYPOSIS, ADENOMATOUS INTESTINAL. Identifiers: MedGen C2713442, MONDO:0021056, OMIM 175100. Disease mechanism: loss of function.

Allele frequency attached by ClinVar (database versions not stated): gnomAD 0.00001; TOPMed below 0.00001.

Submission:

Labcorp Genetics (formerly Invitae), Labcorp
Classification: Uncertain significance for Familial adenomatous polyposis 1. Last evaluated: 2024-12-22. Review status: criteria provided, single submitter. Criteria: Invitae Variant Classification Sherloc (09022015). Collection method: clinical testing. Allele origin: germline.
Comment: This variant occurs in a non-coding region of the APC gene. It does not change the encoded amino acid sequence of the APC protein. This variant is not present in population databases (gnomAD no frequency). This variant has not been reported in the literature in individuals affected with APC-related conditions. ClinVar contains an entry for this variant (Variation ID: 661051). Experimental studies and prediction algorithms are not available or were not evaluated, and the functional significance of this variant is currently unknown. In summary, the available evidence is currently insufficient to determine the role of this variant in disease. Therefore, it has been classified as a Variant of Uncertain Significance.